The following is an entry in ClinVar:

NM_018052.5(VAC14):c.874G>A (p.Val292Ile)

Gene: VAC14 (VAC14 component of PIKFYVE complex; minus strand). Cytogenetic location: 16q22.1.
Variant type: single nucleotide variant.
Coding change: c.874G>A on transcript NM_018052.5 (MANE Select); coding-DNA position 874, G replaced by A.
Protein change: p.Val292Ile; replaces valine 292 with isoleucine.
Molecular consequence: missense variant.
Genome position (GRCh38, 1-based): chr16:70,781,941, C>T on the plus strand (G>A on the coding strand, the complement: VAC14 is on the minus strand). VCF-style: chr16-70781941-C-T. GRCh37 (hg19) VCF-style: chr16-70815844-C-T.
Other names: c.874G>A (NM_018052.3); c.172G>A, p.Val58Ile (NM_001351157.2); short protein forms V58I, V292I.
Identifiers: ClinVar variation 2175774 (VCV002175774.5), dbSNP rs765700918, ClinGen allele CA8147915.
Genomic context (GRCh38, chr16:70,781,941, plus strand): 5'-CATCGTAGGCCAAGCAGGGCAAGACAGCAGTCAGGATCCCGGAGGAGTAAGGCAGCATGA[C>T]GCGGCCCGCCAGCTGGATGAACTCCCGCATCCAGCACATGGCTGTCAGCTGGATGAGGTC-3'
Protein context (NP_060522.3, residues 282-302): MREFIQLAGR[Val292Ile]MLPYSSGILT

ClinVar aggregate classification (germline): Uncertain significance. Review status: criteria provided, multiple submitters, no conflicts (2 of 4 stars). 2 submissions from 2 submitters: Uncertain significance (2). Last evaluated 2022-05-07.

Conditions:
Inborn genetic diseases. Identifiers: MedGen C0950123, MeSH D030342.

Allele frequency attached by ClinVar (database versions not stated): ExAC 0.00001; gnomAD exomes 0.00002; TOPMed 0.00002; gnomAD 0.00003.
gnomAD v4.1: 32 of 1,614,028 alleles (0.002%); highest among the groups gnomAD compares: East Asian, 0.013%; no homozygotes.

Submissions (2):

Labcorp Genetics (formerly Invitae), Labcorp
Classification: Uncertain significance. Last evaluated: 2022-05-07. Review status: criteria provided, single submitter. Criteria: Invitae Variant Classification Sherloc (09022015). Collection method: clinical testing. Allele origin: germline.
Comment: In summary, the available evidence is currently insufficient to determine the role of this variant in disease. Therefore, it has been classified as a Variant of Uncertain Significance. Algorithms developed to predict the effect of missense changes on protein structure and function (SIFT, PolyPhen-2, Align-GVGD) all suggest that this variant is likely to be tolerated. This variant has not been reported in the literature in individuals affected with VAC14-related conditions. This variant is present in population databases (rs765700918, gnomAD 0.02%). This sequence change replaces valine, which is neutral and non-polar, with isoleucine, which is neutral and non-polar, at codon 292 of the VAC14 protein (p.Val292Ile).

Ambry Genetics
Classification: Uncertain significance for Inborn genetic diseases. Last evaluated: 2022-01-05. Review status: criteria provided, single submitter. Criteria: Ambry Variant Classification Scheme 2023. Collection method: clinical testing. Allele origin: germline.